The following is an entry in ClinVar:

NM_020312.4(COQ9):c.485A>G (p.Glu162Gly)

Gene: COQ9 (coenzyme Q9; plus strand). Cytogenetic location: 16q21.
Variant type: single nucleotide variant.
Coding change: c.485A>G on transcript NM_020312.4 (MANE Select); coding-DNA position 485, A replaced by G.
Protein change: p.Glu162Gly; replaces glutamic acid 162 with glycine.
Molecular consequence: missense variant.
Genome position (GRCh38, 1-based): chr16:57,456,610, A>G. VCF-style: chr16-57456610-A-G. GRCh37 (hg19) VCF-style: chr16-57490522-A-G.
Other names: short protein forms E162G.
Identifiers: ClinVar variation 1974106 (VCV001974106.5), dbSNP rs2543571328, ClinGen allele CA396028474.

ClinVar aggregate classification (germline): Uncertain significance (1 of 4 stars; one submission).

Submission:

Labcorp Genetics (formerly Invitae), Labcorp
Classification: Uncertain significance. Last evaluated: 2022-08-10. Review status: criteria provided, single submitter. Criteria: Invitae Variant Classification Sherloc (09022015). Collection method: clinical testing. Allele origin: germline.
Comment: In summary, the available evidence is currently insufficient to determine the role of this variant in disease. Therefore, it has been classified as a Variant of Uncertain Significance. Algorithms developed to predict the effect of sequence changes on RNA splicing suggest that this variant may disrupt the consensus splice site. Algorithms developed to predict the effect of missense changes on protein structure and function (SIFT, PolyPhen-2, Align-GVGD) all suggest that this variant is likely to be tolerated. This variant has not been reported in the literature in individuals affected with COQ9-related conditions. This variant is not present in population databases (gnomAD no frequency). This sequence change replaces glutamic acid, which is acidic and polar, with glycine, which is neutral and non-polar, at codon 162 of the COQ9 protein (p.Glu162Gly).